The following is an entry in ClinVar:

NM_001170402.1(CDC20B):c.1507C>T (p.Arg503Trp)

Gene: CDC20B (cell division cycle 20B; minus strand). Cytogenetic location: 5q11.2.
Variant type: single nucleotide variant.
Coding change: c.1507C>T on transcript NM_001170402.1 (MANE Select); coding-DNA position 1507, C replaced by T.
Protein change: p.Arg503Trp; replaces arginine 503 with tryptophan.
Molecular consequence: missense variant.
Genome position (GRCh38, 1-based): chr5:55,114,271, G>A on the plus strand (C>T on the coding strand, the complement: CDC20B is on the minus strand). VCF-style: chr5-55114271-G-A. GRCh37 (hg19) VCF-style: chr5-54410099-G-A.
Other names: c.1381C>T, p.Arg461Trp (NM_001145734.2); c.1495C>T, p.Arg499Trp (NM_152623.2); short protein forms R461W, R499W, R503W.
Identifiers: ClinVar variation 4819385 (VCV004819385.1), dbSNP rs444527.

ClinVar aggregate classification (germline): association. Review status: no assertion criteria provided (0 of 4 stars). 2 submissions from 1 submitter: association (2). Last evaluated 2026-03-26.

Conditions:
Gastric cancer. Also called: Malignant tumor of stomach; Stomach cancer. Identifiers: MedGen C0024623, MeSH D013274, MONDO:0001056, OMIM 613659, HP:0012126.
Triple-negative breast cancer. Identifiers: MedGen C3539878.

gnomAD v4.1: 312,774 of 1,613,568 alleles (19%); highest among the groups gnomAD compares: South Asian, 30%; 32,027 homozygotes.

Submissions (2):

Hdge Lab, Department of Biotechnology, Mizoram University
Classification: association for Gastric cancer. Last evaluated: 2026-03-26. Review status: no assertion criteria provided. Collection method: case-control. Allele origin: germline. Affected: yes. Observed: 16 variant alleles.
Comment: Variant identified in a case-control study of gastric cancer. Allele frequencies were compared between cases and controls. Elevated odds ratios were observed (OR=4.651, 95% CI=0.987–21.923). Classified as "association" based on preliminary case-control findings.

Hdge Lab, Department of Biotechnology, Mizoram University
Classification: association for Triple-negative breast cancer. Last evaluated: 2026-03-26. Review status: no assertion criteria provided. Collection method: case-control. Allele origin: germline. Affected: yes. Observed: 6 variant alleles.
Comment: Variant identified in a case-control study of TNBC. Allele frequencies were compared between cases and controls. Elevated odds ratios were observed (OR=3.333, 95% CI=0.531–20.911). Classified as "association" based on preliminary case-control findings.